The following is an entry in ClinVar:

NM_005591.4(MRE11):c.1937T>C (p.Val646Ala)

Gene: MRE11 (MRE11 double strand break repair nuclease; minus strand). Cytogenetic location: 11q21.
Variant type: single nucleotide variant.
Coding change: c.1937T>C on transcript NM_005591.4 (MANE Select); coding-DNA position 1937, T replaced by C.
Protein change: p.Val646Ala; replaces valine 646 with alanine.
Molecular consequence: missense variant.
Genome position (GRCh38, 1-based): chr11:94,435,889, A>G on the plus strand (T>C on the coding strand, the complement: MRE11 is on the minus strand). VCF-style: chr11-94435889-A-G. GRCh37 (hg19) VCF-style: chr11-94169055-A-G.
Other names: c.1934T>C, p.Val645Ala (NM_001330347.2); c.1853T>C, p.Val618Ala (NM_005590.4); short protein forms V646A, V618A, V645A.
Identifiers: ClinVar variation 479751 (VCV000479751.13), dbSNP rs1555002076, ClinGen allele CA382374142.

ClinVar aggregate classification (germline): Uncertain significance. Review status: criteria provided, multiple submitters, no conflicts (2 of 4 stars). 2 submissions from 2 submitters: Uncertain significance (2). Last evaluated 2025-12-22.

Conditions:
Ataxia-telangiectasia-like disorder (ATLD). Identifiers: MedGen C1858391, MONDO:0011457.
Hereditary cancer-predisposing syndrome. Also called: Tumor predisposition; Hereditary Cancer Syndrome; Neoplastic Syndromes, Hereditary; Hereditary neoplastic syndrome. Identifiers: Orphanet 140162, MedGen C0027672, MeSH D009386, MONDO:0015356.

Allele frequency attached by ClinVar (database versions not stated): gnomAD exomes below 0.00001.
gnomAD v4.1: 1 of 1,613,780 alleles (0.000062%); highest among the groups gnomAD compares: Non-Finnish European, 0.000085%; no homozygotes.

Submissions (2):

Ambry Genetics
Classification: Uncertain significance for Hereditary cancer-predisposing syndrome. Last evaluated: 2025-12-22. Review status: criteria provided, single submitter. Criteria: Ambry Variant Classification Scheme 2023. Collection method: clinical testing. Allele origin: germline.
Comment: The p.V646A variant (also known as c.1937T>C), located in coding exon 17 of the MRE11A gene, results from a T to C substitution at nucleotide position 1937. The valine at codon 646 is replaced by alanine, an amino acid with similar properties. This amino acid position is poorly conserved in available vertebrate species. In addition, this alteration is predicted to be tolerated by in silico analysis. Since supporting evidence is limited at this time, the clinical significance of this alteration remains unclear.

Labcorp Genetics (formerly Invitae), Labcorp
Classification: Uncertain significance for Ataxia-telangiectasia-like disorder. Last evaluated: 2022-02-24. Review status: criteria provided, single submitter. Criteria: Invitae Variant Classification Sherloc (09022015). Collection method: clinical testing. Allele origin: germline.
Comment: This sequence change replaces valine, which is neutral and non-polar, with alanine, which is neutral and non-polar, at codon 646 of the MRE11 protein (p.Val646Ala). This variant is not present in population databases (gnomAD no frequency). This variant has not been reported in the literature in individuals affected with MRE11-related conditions. ClinVar contains an entry for this variant (Variation ID: 479751). Algorithms developed to predict the effect of missense changes on protein structure and function output the following: SIFT: "Tolerated"; PolyPhen-2: "Benign"; Align-GVGD: "Class C0". The alanine amino acid residue is found in multiple mammalian species, which suggests that this missense change does not adversely affect protein function. In summary, the available evidence is currently insufficient to determine the role of this variant in disease. Therefore, it has been classified as a Variant of Uncertain Significance.